The following is an entry in ClinVar:

ClinVar aggregate classification (germline): Conflicting classifications of pathogenicity. Review status: criteria provided, conflicting classifications (1 of 4 stars). 6 submissions from 6 submitters: Uncertain significance (3); Likely benign (2). 1 of the submissions does not count toward it. Last evaluated 2026-01-28.

Conditions:
Peroxisome biogenesis disorder 8A (Zellweger). Also called: Peroxisome biogenesis disorder 8A. Identifiers: Orphanet 912, MedGen C3553959, MONDO:0013942, OMIM 614876.
Peroxisome biogenesis disorder 8B (PBD8B). Identifiers: Orphanet 44, MedGen C3553960, MONDO:0013943, OMIM 614877.
Peroxisome biogenesis disorder. Identifiers: Orphanet 79189, MedGen C1832200, MONDO:0019234. Disease mechanism: loss of function.
PEX16-related disorder. Also called: PEX16-related condition.

Allele frequency attached by ClinVar (database versions not stated): gnomAD 0.00009 and 0.00013; TOPMed 0.00023; 1000 Genomes Project 30x 0.00031; 1000 Genomes Project 0.00040; gnomAD exomes 0.00053; ExAC 0.00064.
gnomAD v4.1: 245 of 1,613,884 alleles (0.015%); highest among the groups gnomAD compares: Admixed American, 0.19%; 1 homozygote.

Submissions (6):

Labcorp Genetics (formerly Invitae), Labcorp
Classification: Likely benign for Peroxisome biogenesis disorder. Last evaluated: 2026-01-28. Review status: criteria provided, single submitter. Criteria: Invitae Variant Classification Sherloc (09022015). Collection method: clinical testing. Allele origin: germline.

Blueprint Genetics
Classification: Likely benign. Last evaluated: 2024-04-26. Review status: criteria provided, single submitter. Criteria: ACMG Guidelines, 2015. Collection method: clinical testing. Allele origin: germline.

Elsea Laboratory, Baylor College of Medicine
Classification: Uncertain significance for Peroxisome biogenesis disorder 8A (Zellweger); Peroxisome biogenesis disorder 8B. Last evaluated: 2020-04-01. Review status: criteria provided, single submitter. Criteria: ACMG Guidelines, 2015. Collection method: clinical testing. Allele origin: paternal, germline. Affected: no.

Revvity Omics, Revvity
Classification: Uncertain significance. Last evaluated: 2019-05-16. Review status: criteria provided, single submitter. Criteria: ACMG Guidelines, 2015. Collection method: clinical testing. Allele origin: germline.

Eurofins Ntd Llc (ga)
Classification: Uncertain significance. Last evaluated: 2018-05-31. Review status: criteria provided, single submitter. Criteria: EGL ClinVar v180209 classification definitions. Collection method: clinical testing. Allele origin: germline. Observed: 3 variant alleles, 3 heterozygotes.

PreventionGenetics, part of Exact Sciences
Classification: Likely benign for PEX16-related condition. Last evaluated: 2022-12-07. Review status: no assertion criteria provided. Collection method: clinical testing. Allele origin: germline. Not counted in ClinVar's aggregate classification.
Comment: This variant is classified as likely benign based on ACMG/AMP sequence variant interpretation guidelines (Richards et al. 2015 PMID: 25741868, with internal and published modifications).

NM_004813.4(PEX16):c.262G>A (p.Val88Met)

Gene: PEX16 (peroxisomal biogenesis factor 16; minus strand). Cytogenetic location: 11p11.2.
Variant type: single nucleotide variant.
Coding change: c.262G>A on transcript NM_004813.4 (MANE Select); coding-DNA position 262, G replaced by A.
Protein change: p.Val88Met; replaces valine 88 with methionine.
Molecular consequence: missense variant.
Genome position (GRCh38, 1-based): chr11:45,915,800, C>T on the plus strand (G>A on the coding strand, the complement: PEX16 is on the minus strand). VCF-style: chr11-45915800-C-T. GRCh37 (hg19) VCF-style: chr11-45937351-C-T.
Other names: c.262G>A, p.Val88Met (NM_057174.3); short protein forms V88M.
Identifiers: ClinVar variation 498836 (VCV000498836.22), dbSNP rs567165324, ClinGen allele CA5960028.
Genomic context (GRCh38, chr11:45,915,800, plus strand): 5'-CCACTTCACCCCACACCTTGGCAGCTCCCATCTCCATGAACACCTCCACGCACTCCAGCA[C>T]GCTCAGCCATGTCAGCAGCTTCTGCTGGGACAGCGACTGCAAGAACCCCAGGCCAAGAAG-3'
Protein context (NP_004804.2, residues 78-98): SQQKLLTWLS[Val88Met]LECVEVFMEM